The following is an entry in ClinVar:

ClinVar aggregate classification (germline): Benign. Review status: criteria provided, multiple submitters, no conflicts (2 of 4 stars). 7 submissions from 6 submitters: Benign (7). Last evaluated 2026-02-04.

Conditions:
Glucocorticoid-remediable aldosteronism. Also called: Hyperaldosteronism, familial, type I; FH I; GLUCOCORTICOID-SUPPRESSIBLE HYPERALDOSTERONISM; ACTH-DEPENDENT HYPERALDOSTERONISM SYNDROME; ALDOSTERONISM, SENSITIVE TO DEXAMETHASONE. Identifiers: Orphanet 403, MedGen C3838731, MONDO:0007080, OMIM 103900.
Deficiency of steroid 11-beta-monooxygenase (CYP11B1). Also called: Congenital adrenal hyperplasia due to 11-beta-hydroxylase deficiency; ADRENAL HYPERPLASIA, CONGENITAL, DUE TO STEROID 11-BETA-HYDROXYLASE DEFICIENCY; 11-BETA-HYDROXYLASE DEFICIENCY; P450C11B1 DEFICIENCY; STEROID 11-BETA-HYDROXYLASE DEFICIENCY; ADRENAL HYPERPLASIA IV. Identifiers: Orphanet 90795, MedGen C0268292, MONDO:0008729, OMIM 202010. Disease mechanism: loss of function.

Allele frequency attached by ClinVar (database versions not stated): 1000 Genomes Project 0.11382; 1000 Genomes Project 30x 0.12227; gnomAD 0.12262 and 0.12635; TOPMed 0.12578; ESP Exome Variant Server 0.13517.
gnomAD v4.1: 138,783 of 1,587,936 alleles (8.7%); highest among the groups gnomAD compares: African/African-American, 24%; 7,518 homozygotes.

Submissions (7):

Labcorp Genetics (formerly Invitae), Labcorp
Classification: Benign. Last evaluated: 2026-02-04. Review status: criteria provided, single submitter. Criteria: Invitae Variant Classification Sherloc (09022015). Collection method: clinical testing. Allele origin: germline.

Blueprint Genetics
Classification: Benign. Last evaluated: 2024-11-27. Review status: criteria provided, single submitter. Criteria: ACMG Guidelines, 2015. Collection method: clinical testing. Allele origin: germline.

Department of Human Genetics, Laborarztpraxis Dres. Walther, Weindel und Kollegen
Classification: Benign for Deficiency of steroid 11-beta-monooxygenase. Last evaluated: 2020-04-20. Review status: criteria provided, single submitter. Criteria: ACMG Guidelines, 2015. Collection method: clinical testing. Allele origin: somatic. Affected: yes.
Comment: This variant is classified as benign because it does not alter an amino acid residue, it is not located within the splice consensus sequence, a splice prediction algorithm do not predict a newly created splice site and the population frequency is too high to be a pathogenic mutation (>= 5%).

Illumina Laboratory Services, Illumina
Classification: Benign for Glucocorticoid-remediable aldosteronism. Last evaluated: 2018-01-13. Review status: criteria provided, single submitter. Criteria: ICSL Variant Classification Criteria 13 December 2019. Collection method: clinical testing. Allele origin: germline.
Comment: This variant was observed in the ICSL laboratory as part of a predisposition screen in an ostensibly healthy population. It had not been previously curated by ICSL or reported in the Human Gene Mutation Database (HGMD: prior to June 1st, 2018), and was therefore a candidate for classification through an automated scoring system. Utilizing variant allele frequency, disease prevalence and penetrance estimates, and inheritance mode, an automated score was calculated to assess if this variant is too frequent to cause the disease. Based on the score and internal cut-off values, a variant classified as benign is not then subjected to further curation. The score for this variant resulted in a classification of benign for this disease.

Illumina Laboratory Services, Illumina
Classification: Benign for Deficiency of steroid 11-beta-monooxygenase. Last evaluated: 2018-01-13. Review status: criteria provided, single submitter. Criteria: ICSL Variant Classification Criteria 13 December 2019. Collection method: clinical testing. Allele origin: germline.
Comment: the same text as in the submission from Illumina Laboratory Services, Illumina above.

Athena Diagnostics
Classification: Benign. Last evaluated: 2017-08-02. Review status: criteria provided, single submitter. Criteria: Athena Diagnostics Criteria. Collection method: clinical testing. Allele origin: germline.

Breakthrough Genomics
Classification: Benign. Review status: criteria provided, single submitter. Criteria: ACMG Guidelines, 2015. Collection method: not provided. Allele origin: germline. Inheritance: Autosomal recessive inheritance. Affected: yes.

NM_000497.4(CYP11B1):c.1399-14G>C

Genes: CYP11B1 (cytochrome P450 family 11 subfamily B member 1; minus strand), LOC106799833 (CYP11B1 recombination region; plus strand). Cytogenetic location: 8q24.3.
Variant type: single nucleotide variant.
Coding change: c.1399-14G>C on transcript NM_000497.4 (MANE Select); 14 bases into the intron before coding-DNA position 1399, G replaced by C.
Molecular consequence: intron variant.
Genome position (GRCh38, 1-based): chr8:142,874,500, C>G on the plus strand (G>C on the coding strand, the complement: CYP11B1 is on the minus strand). VCF-style: chr8-142874500-C-G. GRCh37 (hg19) VCF-style: chr8-143955916-C-G.
Other names: c.1201-14G>C (NM_001026213.1).
Identifiers: ClinVar variation 362146 (VCV000362146.18), dbSNP rs5295, ClinGen allele CA4904966.